The following is an entry in ClinVar:

NM_003047.5(SLC9A1):c.913G>T (p.Gly305Trp)

Gene: SLC9A1 (solute carrier family 9 member A1; minus strand). Cytogenetic location: 1p36.11.
Variant type: single nucleotide variant.
Coding change: c.913G>T on transcript NM_003047.5 (MANE Select); coding-DNA position 913, G replaced by T.
Protein change: p.Gly305Trp; replaces glycine 305 with tryptophan.
Molecular consequence: missense variant. On other transcripts: non-coding transcript variant (1).
Genome position (GRCh38, 1-based): chr1:27,109,678, C>A on the plus strand (G>T on the coding strand, the complement: SLC9A1 is on the minus strand). VCF-style: chr1-27109678-C-A. GRCh37 (hg19) VCF-style: chr1-27436169-C-A.
Other names: short protein forms G305W.
Identifiers: ClinVar variation 4086321 (VCV004086321.1).

ClinVar aggregate classification (germline): Uncertain significance (1 of 4 stars; one submission).

Submission:

GeneDx
Classification: Uncertain significance. Last evaluated: 2025-03-21. Review status: criteria provided, single submitter. Criteria: GeneDx Variant Classification Process June 2021. Collection method: clinical testing. Allele origin: germline. Affected: yes.
Comment: Has not been previously published as pathogenic or benign to our knowledge; Not observed at significant frequency in large population cohorts (gnomAD); In silico analysis supports that this missense variant has a deleterious effect on protein structure/function; This variant is associated with the following publications: (PMID: 25205112)